The following is an entry in ClinVar:

ClinVar aggregate classification (germline): Uncertain significance (1 of 4 stars; one submission).

Conditions:
Adenylosuccinate lyase deficiency (ADSLD). Also called: ADSL DEFICIENCY. Identifiers: Orphanet 46, MedGen C0268126, MONDO:0007068, OMIM 103050.

Allele frequency attached by ClinVar (database versions not stated): gnomAD 0.00001; gnomAD exomes 0.00001; TOPMed 0.00001.
gnomAD v4.1: 18 of 1,613,596 alleles (0.0011%); highest among the groups gnomAD compares: Non-Finnish European, 0.0014%; no homozygotes.

Submission:

Labcorp Genetics (formerly Invitae), Labcorp
Classification: Uncertain significance for Adenylosuccinate lyase deficiency. Last evaluated: 2021-08-31. Review status: criteria provided, single submitter. Criteria: Invitae Variant Classification Sherloc (09022015). Collection method: clinical testing. Allele origin: germline.

NM_000026.4(ADSL):c.370C>A (p.Leu124Ile)

Gene: ADSL (adenylosuccinate lyase; plus strand). Cytogenetic location: 22q13.1.
Variant type: single nucleotide variant.
Coding change: c.370C>A on transcript NM_000026.4 (MANE Select); coding-DNA position 370, C replaced by A.
Protein change: p.Leu124Ile; replaces leucine 124 with isoleucine.
Molecular consequence: missense variant. On other transcripts: non-coding transcript variant (1).
Genome position (GRCh38, 1-based): chr22:40,353,085, C>A. VCF-style: chr22-40353085-C-A. GRCh37 (hg19) VCF-style: chr22-40749089-C-A.
Other names: c.370C>A, p.Leu124Ile (NM_001123378.3, NM_001363840.3); c.178C>A, p.Leu60Ile (NM_001317923.2); short protein forms L124I, L60I.
Identifiers: ClinVar variation 955575 (VCV000955575.7), dbSNP rs2044410415, ClinGen allele CA411637326.